The following is an entry in ClinVar:

ClinVar aggregate classification (germline): Uncertain significance. Review status: criteria provided, multiple submitters, no conflicts (2 of 4 stars). 2 submissions from 2 submitters: Uncertain significance (2). Last evaluated 2024-05-21.

Conditions:
Progressive myoclonic epilepsy type 8. Identifiers: Orphanet 424027, MedGen C5190825, MONDO:0014545, OMIM 616230.

Allele frequency attached by ClinVar (database versions not stated): TOPMed below 0.00001.
gnomAD v4.1: 3 of 1,041,812 alleles (0.00029%); highest among the groups gnomAD compares: Non-Finnish European, 0.00035%; no homozygotes.

Submissions (2):

Fulgent Genetics
Classification: Uncertain significance for Progressive myoclonic epilepsy type 8. Last evaluated: 2024-05-21. Review status: criteria provided, single submitter. Criteria: ACMG Guidelines, 2015. Collection method: clinical testing. Allele origin: germline.

Labcorp Genetics (formerly Invitae), Labcorp
Classification: Uncertain significance for Progressive myoclonic epilepsy type 8. Last evaluated: 2020-10-14. Review status: criteria provided, single submitter. Criteria: Invitae Variant Classification Sherloc (09022015). Collection method: clinical testing. Allele origin: germline.
Comment: In summary, the available evidence is currently insufficient to determine the role of this variant in disease. Therefore, it has been classified as a Variant of Uncertain Significance. Algorithms developed to predict the effect of missense changes on protein structure and function (SIFT, PolyPhen-2, Align-GVGD) all suggest that this variant is likely to be tolerated, but these predictions have not been confirmed by published functional studies and their clinical significance is uncertain. This variant has not been reported in the literature in individuals with CERS1-related conditions. The frequency data for this variant in the population databases is considered unreliable, as metrics indicate insufficient coverage at this position in the ExAC database. This sequence change replaces serine with arginine at codon 29 of the CERS1 protein (p.Ser29Arg). The serine residue is moderately conserved and there is a moderate physicochemical difference between serine and arginine.

NM_021267.5(CERS1):c.87C>G (p.Ser29Arg)

Genes: CERS1 (ceramide synthase 1; minus strand), GDF1 (growth differentiation factor 1; minus strand). Cytogenetic location: 19p13.11.
Variant type: single nucleotide variant.
Coding change: c.87C>G on transcript NM_021267.5 (MANE Select); coding-DNA position 87, C replaced by G.
Protein change: p.Ser29Arg; replaces serine 29 with arginine.
Molecular consequence: missense variant. On other transcripts: 5 prime UTR variant (4), intron variant (3).
Genome position (GRCh38, 1-based): chr19:18,895,986, G>C on the plus strand (C>G on the coding strand, the complement: CERS1 is on the minus strand). VCF-style: chr19-18895986-G-C. GRCh37 (hg19) VCF-style: chr19-19006795-G-C.
Other names: c.87C>G, p.Ser29Arg (NM_001387439.1, NM_001387440.1, NM_001387441.1 and 1 more transcripts); c.-442C>G (NM_001387444.1); c.-389C>G (NM_001387445.1); c.-816C>G (NM_001387438.1); c.-1236C>G (NM_001492.6); c.-46+740C>G (NM_001387443.1); c.-46+575C>G (NM_001387442.1, NM_001290265.2); short protein forms S29R.
Identifiers: ClinVar variation 1000785 (VCV001000785.9), dbSNP rs1275370347, ClinGen allele CA404868696.